The following is an entry in ClinVar:

NM_003073.5(SMARCB1):c.987C>T (p.Ser329=)

Gene: SMARCB1 (SWI/SNF related BAF chromatin remodeling complex subunit B1; plus strand). Cytogenetic location: 22q11.23.
Variant type: single nucleotide variant.
Coding change: c.987C>T on transcript NM_003073.5 (MANE Select); coding-DNA position 987, C replaced by T.
Protein change: p.Ser329=; no amino-acid change (serine 329 retained).
Molecular consequence: synonymous variant.
Genome position (GRCh38, 1-based): chr22:23,833,572, C>T. VCF-style: chr22-23833572-C-T. GRCh37 (hg19) VCF-style: chr22-24175759-C-T.
Other names: c.987C>T (LRG_520t1, NM_003073.4); c.960C>T, p.Ser320= (NM_001007468.3); c.1014C>T, p.Ser338= (NM_001317946.2); c.1041C>T, p.Ser347= (NM_001362877.2).
Identifiers: ClinVar variation 416330 (VCV000416330.21), dbSNP rs137942040, ClinGen allele CA10146096.

ClinVar aggregate classification (germline): Benign/Likely benign. Review status: criteria provided, multiple submitters, no conflicts (2 of 4 stars). 6 submissions from 6 submitters: Benign (2); Likely benign (3). 1 of the submissions does not count toward it. Last evaluated 2026-09-01.

Conditions:
SMARCB1-related disorder. Also called: SMARCB1-related disorders; SMARCB1-related condition.
Hereditary cancer-predisposing syndrome. Also called: Hereditary neoplastic syndrome; Neoplastic Syndromes, Hereditary; Hereditary Cancer Syndrome; Tumor predisposition. Identifiers: Orphanet 140162, MedGen C0027672, MeSH D009386, MONDO:0015356.

Allele frequency attached by ClinVar (database versions not stated): gnomAD exomes 0.00005 and 0.00015; ExAC 0.00015; ESP Exome Variant Server 0.00038; gnomAD 0.00041; TOPMed 0.00048; 1000 Genomes Project 30x 0.00094; 1000 Genomes Project 0.00100.
gnomAD v4.1: 136 of 1,614,206 alleles (0.0084%); highest among the groups gnomAD compares: African/African-American, 0.15%; no homozygotes.

Submissions (6):

CeGaT Center for Human Genetics Tuebingen
Classification: Likely benign. Last evaluated: 2026-09-01. Review status: criteria provided, single submitter. Criteria: CeGaT Center For Human Genetics Tuebingen Variant Classification Criteria Version 2. Collection method: clinical testing. Allele origin: germline. Affected: yes. Observed: 1 variant allele.
Comment: SMARCB1: BP4, BP7, BS1

Labcorp Genetics (formerly Invitae), Labcorp
Classification: Likely benign. Last evaluated: 2026-01-31. Review status: criteria provided, single submitter. Criteria: Invitae Variant Classification Sherloc (09022015). Collection method: clinical testing. Allele origin: germline.

Blueprint Genetics
Classification: Benign. Last evaluated: 2023-10-26. Review status: criteria provided, single submitter. Criteria: ACMG Guidelines, 2015. Collection method: clinical testing. Allele origin: germline.

Sema4
Classification: Benign for Hereditary cancer-predisposing syndrome. Last evaluated: 2022-02-03. Review status: criteria provided, single submitter. Criteria: Sema4 Curation Guidelines. Collection method: curation. Allele origin: germline.

Ambry Genetics
Classification: Likely benign for Hereditary cancer-predisposing syndrome. Last evaluated: 2018-06-25. Review status: criteria provided, single submitter. Criteria: Ambry Variant Classification Scheme 2023. Collection method: clinical testing. Allele origin: germline.

PreventionGenetics, part of Exact Sciences
Classification: Likely benign for SMARCB1-related condition. Last evaluated: 2020-11-15. Review status: no assertion criteria provided. Collection method: clinical testing. Allele origin: germline. Not counted in ClinVar's aggregate classification.
Comment: This variant is classified as likely benign based on ACMG/AMP sequence variant interpretation guidelines (Richards et al. 2015 PMID: 25741868, with internal and published modifications).